The following is an entry in ClinVar:

NM_001365999.1(SZT2):c.7657C>T (p.Leu2553Phe)

Gene: SZT2 (SZT2 subunit of KICSTOR complex; plus strand). Cytogenetic location: 1p34.2.
Variant type: single nucleotide variant.
Coding change: c.7657C>T on transcript NM_001365999.1 (MANE Select); coding-DNA position 7657, C replaced by T.
Protein change: p.Leu2553Phe; replaces leucine 2553 with phenylalanine.
Molecular consequence: missense variant.
Genome position (GRCh38, 1-based): chr1:43,441,733, C>T. VCF-style: chr1-43441733-C-T. GRCh37 (hg19) VCF-style: chr1-43907404-C-T.
Other names: c.7486C>T, p.Leu2496Phe (NM_015284.4); short protein forms L2496F, L2553F.
Identifiers: ClinVar variation 653587 (VCV000653587.8), dbSNP rs1028753286, ClinGen allele CA21646469.

ClinVar aggregate classification (germline): Uncertain significance. Review status: criteria provided, multiple submitters, no conflicts (2 of 4 stars). 3 submissions from 3 submitters: Uncertain significance (3). Last evaluated 2025-11-08.

Conditions:
Inborn genetic diseases. Identifiers: MedGen C0950123, MeSH D030342.
Developmental and epileptic encephalopathy, 18 (DEE18). Also called: Early infantile epileptic encephalopathy 18. Identifiers: Orphanet 369894, MedGen C3809624, MONDO:0014201, OMIM 615476.

Allele frequency attached by ClinVar (database versions not stated): gnomAD 0.00004; TOPMed 0.00004; gnomAD exomes below 0.00001.
gnomAD v4.1: 13 of 1,614,082 alleles (0.00081%); highest among the groups gnomAD compares: Admixed American, 0.012%; no homozygotes.

Submissions (3):

Ambry Genetics
Classification: Uncertain significance for Inborn genetic diseases. Last evaluated: 2025-11-08. Review status: criteria provided, single submitter. Criteria: Ambry Variant Classification Scheme 2023. Collection method: clinical testing. Allele origin: germline.

Genome-Nilou Lab
Classification: Uncertain significance for Developmental and epileptic encephalopathy, 18. Last evaluated: 2023-04-11. Review status: criteria provided, single submitter. Criteria: ACMG Guidelines, 2015. Collection method: clinical testing. Allele origin: germline. Affected: no.

Labcorp Genetics (formerly Invitae), Labcorp
Classification: Uncertain significance. Last evaluated: 2021-11-06. Review status: criteria provided, single submitter. Criteria: Invitae Variant Classification Sherloc (09022015). Collection method: clinical testing. Allele origin: germline.
Comment: This sequence change replaces leucine, which is neutral and non-polar, with phenylalanine, which is neutral and non-polar, at codon 2496 of the SZT2 protein (p.Leu2496Phe). This variant is present in population databases (no rsID available, gnomAD 0.005%). This variant has not been reported in the literature in individuals affected with SZT2-related conditions. ClinVar contains an entry for this variant (Variation ID: 653587). Algorithms developed to predict the effect of missense changes on protein structure and function are either unavailable or do not agree on the potential impact of this missense change (SIFT: "Tolerated"; PolyPhen-2: "Probably Damaging"; Align-GVGD: "Class C0"). In summary, the available evidence is currently insufficient to determine the role of this variant in disease. Therefore, it has been classified as a Variant of Uncertain Significance.